The following is an entry in ClinVar:

ClinVar aggregate classification (germline): Uncertain significance (1 of 4 stars; one submission).

Submission:

GeneDx
Classification: Uncertain significance. Last evaluated: 2025-07-29. Review status: criteria provided, single submitter. Criteria: GeneDx Variant Classification Process June 2021. Collection method: clinical testing. Allele origin: germline. Affected: yes.
Comment: Not observed at significant frequency in large population cohorts (gnomAD); In silico analysis suggests that this missense variant does not alter protein structure/function; Has not been previously published as pathogenic or benign to our knowledge

NM_173495.3(PTCHD1):c.2630A>G (p.Asp877Gly)

Gene: PTCHD1 (patched domain containing 1; plus strand). Cytogenetic location: Xp22.11.
Variant type: single nucleotide variant.
Coding change: c.2630A>G on transcript NM_173495.3 (MANE Select); coding-DNA position 2630, A replaced by G.
Protein change: p.Asp877Gly; replaces aspartic acid 877 with glycine.
Molecular consequence: missense variant.
Genome position (GRCh38, 1-based): chrX:23,394,148, A>G. VCF-style: chrX-23394148-A-G. GRCh37 (hg19) VCF-style: chrX-23412265-A-G.
Other names: short protein forms D877G.
Identifiers: ClinVar variation 4689856 (VCV004689856.1).